The following is an entry in ClinVar:

NM_006017.3(PROM1):c.1085A>G (p.Gln362Arg)

Gene: PROM1 (prominin 1; minus strand). Cytogenetic location: 4p15.32.
Variant type: single nucleotide variant.
Coding change: c.1085A>G on transcript NM_006017.3 (MANE Select); coding-DNA position 1085, A replaced by G.
Protein change: p.Gln362Arg; replaces glutamine 362 with arginine.
Molecular consequence: missense variant.
Genome position (GRCh38, 1-based): chr4:16,013,331, T>C on the plus strand (A>G on the coding strand, the complement: PROM1 is on the minus strand). VCF-style: chr4-16013331-T-C. GRCh37 (hg19) VCF-style: chr4-16014954-T-C.
Other names: c.1058A>G, p.Gln353Arg (NM_001145847.2, NM_001145848.2, NM_001145851.2 and 4 more transcripts); c.1085A>G, p.Gln362Arg (NM_001145849.2, NM_001145850.2); short protein forms Q362R, Q353R.
Identifiers: ClinVar variation 1512588 (VCV001512588.8), dbSNP rs2149273562, ClinGen allele CA356437410.
Genomic context (GRCh38, chr4:16,013,331, plus strand): 5'-TCACCTGCTACGACAGTCGTGGTTTGGCGTTGTACTCTGTCAGGTATATCATTAAGGGAT[T>C]GATAGCCCTGAAAAATATTTCAAAATAAAAGGATGTACACAGTTAAGTCAAAGACTAGTT-3'
Protein context (NP_006008.1, residues 352-372): DLDGLVQQGY[Gln362Arg]SLNDIPDRVQ

ClinVar aggregate classification (germline): Uncertain significance (1 of 4 stars; one submission).

Submission:

Labcorp Genetics (formerly Invitae), Labcorp
Classification: Uncertain significance. Last evaluated: 2021-01-17. Review status: criteria provided, single submitter. Criteria: Invitae Variant Classification Sherloc (09022015). Collection method: clinical testing. Allele origin: germline.
Comment: This variant has not been reported in the literature in individuals with PROM1-related conditions. This sequence change replaces glutamine with arginine at codon 362 of the PROM1 protein (p.Gln362Arg). The glutamine residue is weakly conserved and there is a small physicochemical difference between glutamine and arginine. This variant is not present in population databases (ExAC no frequency). Algorithms developed to predict the effect of missense changes on protein structure and function output the following: SIFT: "Tolerated"; PolyPhen-2: "Benign"; Align-GVGD: "Class C0". The arginine amino acid residue is found in multiple mammalian species, suggesting that this missense change does not adversely affect protein function. These predictions have not been confirmed by published functional studies and their clinical significance is uncertain. In summary, the available evidence is currently insufficient to determine the role of this variant in disease. Therefore, it has been classified as a Variant of Uncertain Significance.